The following is an entry in ClinVar:

ClinVar aggregate classification (germline): Conflicting classifications of pathogenicity. Review status: criteria provided, conflicting classifications (1 of 4 stars). 2 submissions from 2 submitters: Uncertain significance (1); Likely benign (1). Last evaluated 2025-11-01.

Conditions:
Seizures, benign familial neonatal, 2. Also called: CONVULSIONS, BENIGN FAMILIAL NEONATAL, 2; Benign Neonatal Epilepsy 2; Seizures, benign neonatal, 2; KCNQ3-Related Benign Familial Neonatal Epilepsy; KCNQ3-Related Self-Limited Familial Neonatal Epilepsy (SLFNE). Identifiers: Orphanet 1949, MedGen C1852581, MONDO:0007366, OMIM 121201.

Allele frequency attached by ClinVar (database versions not stated): gnomAD exomes below 0.00001; gnomAD 0.00001.
gnomAD v4.1: 2 of 1,613,952 alleles (0.00012%); highest among the groups gnomAD compares: African/African-American, 0.0013%; no homozygotes.

Submissions (2):

CeGaT Center for Human Genetics Tuebingen
Classification: Likely benign. Last evaluated: 2025-11-01. Review status: criteria provided, single submitter. Criteria: CeGaT Center For Human Genetics Tuebingen Variant Classification Criteria Version 2. Collection method: clinical testing. Allele origin: germline. Affected: yes. Observed: 1 variant allele.
Comment: KCNQ3: BP4, BP7

Illumina Laboratory Services, Illumina
Classification: Uncertain significance for Seizures, benign familial neonatal, 2. Last evaluated: 2018-01-12. Review status: criteria provided, single submitter. Criteria: ICSL Variant Classification Criteria 13 December 2019. Collection method: clinical testing. Allele origin: germline.

NM_004519.4(KCNQ3):c.1980C>A (p.Thr660=)

Gene: KCNQ3 (potassium voltage-gated channel subfamily Q member 3; minus strand). Cytogenetic location: 8q24.22.
Variant type: single nucleotide variant.
Coding change: c.1980C>A on transcript NM_004519.4 (MANE Select); coding-DNA position 1980, C replaced by A.
Protein change: p.Thr660=; no amino-acid change (threonine 660 retained).
Molecular consequence: synonymous variant.
Genome position (GRCh38, 1-based): chr8:132,129,901, G>T on the plus strand (C>A on the coding strand, the complement: KCNQ3 is on the minus strand). VCF-style: chr8-132129901-G-T. GRCh37 (hg19) VCF-style: chr8-133142148-G-T.
Other names: c.1620C>A, p.Thr540= (NM_001204824.2).
Identifiers: ClinVar variation 361876 (VCV000361876.12), dbSNP rs886062690, ClinGen allele CA10624802.